The following is an entry in ClinVar:

ClinVar aggregate classification (germline): Uncertain significance (1 of 4 stars; one submission).

Conditions:
Hereditary cancer-predisposing syndrome. Also called: Hereditary neoplastic syndrome; Hereditary Cancer Syndrome; Neoplastic Syndromes, Hereditary; Tumor predisposition. Identifiers: Orphanet 140162, MedGen C0027672, MeSH D009386, MONDO:0015356.

Allele frequency attached by ClinVar (database versions not stated): gnomAD exomes below 0.00001.
gnomAD v4.1: 1 of 1,611,712 alleles (0.000062%); highest among the groups gnomAD compares: Non-Finnish European, 0.000085%; no homozygotes.

Submission:

Ambry Genetics
Classification: Uncertain significance for Hereditary cancer-predisposing syndrome. Last evaluated: 2015-01-13. Review status: criteria provided, single submitter. Criteria: Ambry Variant Classification Scheme 2023. Collection method: clinical testing. Allele origin: germline.
Comment: The p.Q215H variant (also known as c.645A>T), located in coding exon 5 of the RAD50 gene, results from an A to T substitution at nucleotide position 645. The glutamine at codon 215 is replaced by histidine, an amino acid with highly similar properties. This variant was not reported in population based cohorts in the following databases: Database of Single Nucleotide Polymorphisms (dbSNP), NHLBI Exome Sequencing Project (ESP), and 1000 Genomes Project. In the ESP, this variant was not observed in 6503 samples (13006 alleles) with coverage at this position. To date, this alteration has been detected with an allele frequency of approximately 0.003% (greater than 40000 alleles tested) in our clinical cohort. This amino acid position is well conserved in available vertebrate species. In addition, this alteration is predicted to be tolerated by in silico analysis. Since supporting evidence is limited at this time, the clinical significance of p.Q215H remains unclear.

NM_005732.4(RAD50):c.645A>T (p.Gln215His)

Gene: RAD50 (RAD50 double strand break repair protein; plus strand). Cytogenetic location: 5q31.1.
Variant type: single nucleotide variant.
Coding change: c.645A>T on transcript NM_005732.4 (MANE Select); coding-DNA position 645, A replaced by T.
Protein change: p.Gln215His; replaces glutamine 215 with histidine.
Molecular consequence: missense variant.
Genome position (GRCh38, 1-based): chr5:132,579,955, A>T. VCF-style: chr5-132579955-A-T. GRCh37 (hg19) VCF-style: chr5-131915647-A-T.
Other names: short protein forms Q215H.
Identifiers: ClinVar variation 230004 (VCV000230004.5), dbSNP rs876658328, ClinGen allele CA10578494.
Genomic context (GRCh38, chr5:132,579,955, plus strand): 5'-ACGTCAGACACAAGGTCAGAAAGTAAAAGAATATCAAATGGAACTAAAATATCTGAAGCA[A>T]TATAAGGAAAAAGCTTGTGAGATTCGTGATCAGATTACAAGTAAGGAAGCCCAGTTAACA-3'
Protein context (NP_005723.2, residues 205-225): EYQMELKYLK[Gln215His]YKEKACEIRD